The following is an entry in ClinVar:

ClinVar aggregate classification (germline): Uncertain significance (1 of 4 stars; one submission).

Submission:

GeneDx
Classification: Uncertain significance. Last evaluated: 2025-07-06. Review status: criteria provided, single submitter. Criteria: GeneDx Variant Classification Process June 2021. Collection method: clinical testing. Allele origin: germline.
Comment: Not observed at significant frequency in large population cohorts (gnomAD); In silico analysis supports that this missense variant has a deleterious effect on protein structure/function; Has not been previously published as pathogenic or benign to our knowledge

NM_001039591.3(USP9X):c.2257A>G (p.Lys753Glu)

Gene: USP9X (ubiquitin specific peptidase 9 X-linked; plus strand). Cytogenetic location: Xp11.4.
Variant type: single nucleotide variant.
Coding change: c.2257A>G on transcript NM_001039591.3 (MANE Select); coding-DNA position 2257, A replaced by G.
Protein change: p.Lys753Glu; replaces lysine 753 with glutamic acid.
Molecular consequence: missense variant.
Genome position (GRCh38, 1-based): chrX:41,166,143, A>G. VCF-style: chrX-41166143-A-G. GRCh37 (hg19) VCF-style: chrX-41025396-A-G.
Other names: c.2257A>G, p.Lys753Glu (NM_001039590.3); c.2272A>G, p.Lys758Glu (NM_001410748.1, NM_001410749.1); short protein forms K753E, K758E.
Identifiers: ClinVar variation 3363930 (VCV003363930.2).